The following is an entry in ClinVar:

NM_175875.5(SIX5):c.2077G>A (p.Val693Met)

Gene: SIX5 (SIX homeobox 5; minus strand). Cytogenetic location: 19q13.32.
Variant type: single nucleotide variant.
Coding change: c.2077G>A on transcript NM_175875.5 (MANE Select); coding-DNA position 2077, G replaced by A.
Protein change: p.Val693Met; replaces valine 693 with methionine.
Molecular consequence: missense variant.
Genome position (GRCh38, 1-based): chr19:45,765,644, C>T on the plus strand (G>A on the coding strand, the complement: SIX5 is on the minus strand). VCF-style: chr19-45765644-C-T. GRCh37 (hg19) VCF-style: chr19-46268902-C-T.
Other names: short protein forms V693M.
Identifiers: ClinVar variation 262913 (VCV000262913.16), dbSNP rs2341097, ClinGen allele CA9520417.

ClinVar aggregate classification (germline): Benign. Review status: criteria provided, multiple submitters, no conflicts (2 of 4 stars). 9 submissions from 9 submitters: Benign (7). 2 of the submissions do not count toward it. Last evaluated 2026-02-04.

Conditions:
Branchiootorenal syndrome 2 (BOR2). Identifiers: Orphanet 107, MedGen C1970479, MONDO:0012575, OMIM 610896.

Allele frequency attached by ClinVar (database versions not stated): 1000 Genomes Project 0.29812; 1000 Genomes Project 30x 0.29888; gnomAD exomes 0.31963 and 0.34531; ExAC 0.32055; TOPMed 0.32271; gnomAD 0.32891 and 0.33126; ESP Exome Variant Server 0.34366.
gnomAD v4.1: 554,715 of 1,612,970 alleles (34%); highest among the groups gnomAD compares: Middle Eastern, 38%; 97,361 homozygotes.

Submissions (9):

Labcorp Genetics (formerly Invitae), Labcorp
Classification: Benign. Last evaluated: 2026-02-04. Review status: criteria provided, single submitter. Criteria: Invitae Variant Classification Sherloc (09022015). Collection method: clinical testing. Allele origin: germline.

Blueprint Genetics
Classification: Benign. Last evaluated: 2024-11-28. Review status: criteria provided, single submitter. Criteria: ACMG Guidelines, 2015. Collection method: clinical testing. Allele origin: germline.

Genome-Nilou Lab
Classification: Benign for Branchiootorenal syndrome 2. Last evaluated: 2021-07-15. Review status: criteria provided, single submitter. Criteria: ACMG Guidelines, 2015. Collection method: clinical testing. Allele origin: germline. Affected: no.

Genome Diagnostics Laboratory, University Medical Center Utrecht
Classification: Benign for Branchiootorenal syndrome 2. Last evaluated: 2017-07-28. Review status: criteria provided, single submitter. Criteria: ACGS Guidelines, 2013. Collection method: clinical testing. Allele origin: germline. Affected: yes. Study: VKGL Data-share Consensus.

GeneDx
Classification: Benign. Last evaluated: 2017-05-09. Review status: criteria provided, single submitter. Criteria: GeneDx Variant Classification (06012015). Collection method: clinical testing. Allele origin: germline. Affected: yes.
Comment: This variant is considered likely benign or benign based on one or more of the following criteria: it is a conservative change, it occurs at a poorly conserved position in the protein, it is predicted to be benign by multiple in silico algorithms, and/or has population frequency not consistent with disease.

Breakthrough Genomics
Classification: Benign. Review status: criteria provided, single submitter. Criteria: ACMG Guidelines, 2015. Collection method: not provided. Allele origin: germline. Inheritance: Unknown mechanism. Affected: yes.

PreventionGenetics, part of Exact Sciences
Classification: Benign. Review status: criteria provided, single submitter. Criteria: ACMG Guidelines, 2015. Collection method: clinical testing. Allele origin: germline.

Diagnostic Laboratory, Department of Genetics, University Medical Center Groningen
Classification: Benign for Branchiootorenal syndrome 2. Review status: no assertion criteria provided. Collection method: clinical testing. Allele origin: germline. Affected: yes. Study: VKGL Data-share Consensus. Not counted in ClinVar's aggregate classification.

Joint Genome Diagnostic Labs from Nijmegen and Maastricht, Radboudumc and MUMC+
Classification: Benign. Review status: no assertion criteria provided. Collection method: clinical testing. Allele origin: germline. Affected: yes. Study: VKGL Data-share Consensus. Not counted in ClinVar's aggregate classification.